The following is an entry in ClinVar:

ClinVar aggregate classification (germline): Uncertain significance. Review status: criteria provided, multiple submitters, no conflicts (2 of 4 stars). 2 submissions from 2 submitters: Uncertain significance (2). Last evaluated 2024-12-16.

Submissions (2):

GeneDx
Classification: Uncertain significance. Last evaluated: 2024-12-16. Review status: criteria provided, single submitter. Criteria: GeneDx Variant Classification Process June 2021. Collection method: clinical testing. Allele origin: germline. Affected: yes.
Comment: Not observed at significant frequency in large population cohorts (gnomAD); In silico analysis indicates that this missense variant does not alter protein structure/function; Has not been previously published as pathogenic or benign to our knowledge

Labcorp Genetics (formerly Invitae), Labcorp
Classification: Uncertain significance. Last evaluated: 2023-03-03. Review status: criteria provided, single submitter. Criteria: Invitae Variant Classification Sherloc (09022015). Collection method: clinical testing. Allele origin: germline.
Comment: This sequence change replaces valine, which is neutral and non-polar, with leucine, which is neutral and non-polar, at codon 216 of the COL9A2 protein (p.Val216Leu). This variant has not been reported in the literature in individuals affected with COL9A2-related conditions. This variant is not present in population databases (gnomAD no frequency). ClinVar contains an entry for this variant (Variation ID: 1953935). Advanced modeling of protein sequence and biophysical properties (such as structural, functional, and spatial information, amino acid conservation, physicochemical variation, residue mobility, and thermodynamic stability) performed at Invitae indicates that this missense variant is not expected to disrupt COL9A2 protein function. In summary, the available evidence is currently insufficient to determine the role of this variant in disease. Therefore, it has been classified as a Variant of Uncertain Significance.

NM_001852.4(COL9A2):c.646G>T (p.Val216Leu)

Gene: COL9A2 (collagen type IX alpha 2 chain; minus strand). Cytogenetic location: 1p34.2.
Variant type: single nucleotide variant.
Coding change: c.646G>T on transcript NM_001852.4 (MANE Select); coding-DNA position 646, G replaced by T.
Protein change: p.Val216Leu; replaces valine 216 with leucine.
Molecular consequence: missense variant.
Genome position (GRCh38, 1-based): chr1:40,310,752, C>A on the plus strand (G>T on the coding strand, the complement: COL9A2 is on the minus strand). VCF-style: chr1-40310752-C-A. GRCh37 (hg19) VCF-style: chr1-40776424-C-A.
Other names: c.646G>T (NM_001852.3); short protein forms V216L.
Identifiers: ClinVar variation 1953935 (VCV001953935.6), dbSNP rs1347228538, ClinGen allele CA339854724.
Genomic context (GRCh38, chr1:40,310,752, plus strand): 5'-ACTGAGGCAAGGTGTTCCTTACCGGTGGTCCAGGGATGCCTTGCTCTCCAGAGGCACCCA[C>A]ATCTCCCTTGGGACCCTAAAGGGCAGGGATGAGCTGTCAGACAGGCAGGCAGATGGAAAG-3'
Protein context (NP_001843.1, residues 206-226): HQGKPGPKGD[Val216Leu]GASGEQGIPG